The following is an entry in ClinVar:

ClinVar aggregate classification (germline): Uncertain significance (1 of 4 stars; one submission).

Allele frequency attached by ClinVar (database versions not stated): gnomAD 0.00001; gnomAD exomes 0.00001; TOPMed 0.00001.
gnomAD v4.1: 22 of 1,613,550 alleles (0.0014%); highest among the groups gnomAD compares: Non-Finnish European, 0.0018%; no homozygotes.

Submission:

Labcorp Genetics (formerly Invitae), Labcorp
Classification: Uncertain significance. Last evaluated: 2024-04-22. Review status: criteria provided, single submitter. Criteria: Invitae Variant Classification Sherloc (09022015). Collection method: clinical testing. Allele origin: germline.
Comment: This sequence change replaces isoleucine, which is neutral and non-polar, with methionine, which is neutral and non-polar, at codon 1364 of the CACNA1D protein (p.Ile1364Met). This variant is not present in population databases (gnomAD no frequency). This variant has not been reported in the literature in individuals affected with CACNA1D-related conditions. Advanced modeling of protein sequence and biophysical properties (such as structural, functional, and spatial information, amino acid conservation, physicochemical variation, residue mobility, and thermodynamic stability) performed at Invitae indicates that this missense variant is not expected to disrupt CACNA1D protein function with a negative predictive value of 80%. In summary, the available evidence is currently insufficient to determine the role of this variant in disease. Therefore, it has been classified as a Variant of Uncertain Significance.

NM_001128840.3(CACNA1D):c.4032T>G (p.Ile1344Met)

Gene: CACNA1D (calcium voltage-gated channel subunit alpha1 D; plus strand). Cytogenetic location: 3p21.1.
Variant type: single nucleotide variant.
Coding change: c.4032T>G on transcript NM_001128840.3 (MANE Select); coding-DNA position 4032, T replaced by G.
Protein change: p.Ile1344Met; replaces isoleucine 1344 with methionine.
Molecular consequence: missense variant.
Genome position (GRCh38, 1-based): chr3:53,770,540, T>G. VCF-style: chr3-53770540-T-G. GRCh37 (hg19) VCF-style: chr3-53804567-T-G.
Other names: c.4092T>G, p.Ile1364Met (NM_000720.4); c.3987T>G, p.Ile1329Met (NM_001128839.3); short protein forms I1329M, I1364M, I1344M.
Identifiers: ClinVar variation 2985966 (VCV002985966.3), dbSNP rs1326615724, ClinGen allele CA353257995.